The following is an entry in ClinVar:

ClinVar aggregate classification (germline): Benign/Likely benign. Review status: criteria provided, multiple submitters, no conflicts (2 of 4 stars). 3 submissions from 3 submitters: Benign (1); Likely benign (2). Last evaluated 2026-01-05.

Conditions:
Hereditary cancer-predisposing syndrome. Also called: Hereditary Cancer Syndrome; Neoplastic Syndromes, Hereditary; Hereditary neoplastic syndrome; Tumor predisposition. Identifiers: Orphanet 140162, MedGen C0027672, MeSH D009386, MONDO:0015356.
EGFR-related lung cancer (EGFR). Identifiers: MedGen CN130014.
Lung cancer. Also called: Lung cancer, somatic; Malignant tumor of lung. Identifiers: MedGen C0242379, MONDO:0008903, OMIM 211980.

Allele frequency attached by ClinVar (database versions not stated): ExAC 0.00001; gnomAD 0.00001; TOPMed 0.00001.
gnomAD v4.1: 26 of 1,614,094 alleles (0.0016%); highest among the groups gnomAD compares: East Asian, 0.011%; 1 homozygote.

Submissions (3):

Labcorp Genetics (formerly Invitae), Labcorp
Classification: Likely benign for EGFR-related lung cancer. Last evaluated: 2026-01-05. Review status: criteria provided, single submitter. Criteria: Invitae Variant Classification Sherloc (09022015). Collection method: clinical testing. Allele origin: germline.

Myriad Genetics, Inc.
Classification: Benign for Lung cancer. Last evaluated: 2024-10-16. Review status: criteria provided, single submitter. Criteria: Myriad Autosomal Dominant, Autosomal Recessive and X-Linked Classification Criteria (2023). Collection method: clinical testing. Allele origin: unknown.
Comment: This variant is considered benign. This variant is a silent/synonymous amino acid change and it is not expected to impact splicing.

Ambry Genetics
Classification: Likely benign for Hereditary cancer-predisposing syndrome. Last evaluated: 2024-01-30. Review status: criteria provided, single submitter. Criteria: Ambry Variant Classification Scheme 2023. Collection method: clinical testing. Allele origin: germline.

NM_005228.5(EGFR):c.2319C>T (p.His773=)

Genes: EGFR (epidermal growth factor receptor; plus strand), EGFR-AS1 (EGFR antisense RNA 1; minus strand). Cytogenetic location: 7p11.2.
Variant type: single nucleotide variant.
Coding change: c.2319C>T on transcript NM_005228.5 (MANE Select); coding-DNA position 2319, C replaced by T.
Protein change: p.His773=; no amino-acid change (histidine 773 retained).
Molecular consequence: synonymous variant. On other transcripts: non-coding transcript variant (1).
Genome position (GRCh38, 1-based): chr7:55,181,328, C>T. VCF-style: chr7-55181328-C-T. GRCh37 (hg19) VCF-style: chr7-55249021-C-T.
Other names: c.2184C>T, p.His728= (NM_001346897.2, NM_001346899.2); c.2319C>T, p.His773= (NM_001346898.2); c.2160C>T, p.His720= (NM_001346900.2); c.1518C>T, p.His506= (NM_001346941.2); c.2319C>T (NM_005228.3).
Identifiers: ClinVar variation 1095127 (VCV001095127.11), dbSNP rs768468531, ClinGen allele CA4266054.